The following is an entry in ClinVar:

NM_001197104.2(KMT2A):c.2939C>T (p.Ala980Val)

Gene: KMT2A (lysine methyltransferase 2A; plus strand). Cytogenetic location: 11q23.3.
Variant type: single nucleotide variant.
Coding change: c.2939C>T on transcript NM_001197104.2 (MANE Select); coding-DNA position 2939, C replaced by T.
Protein change: p.Ala980Val; replaces alanine 980 with valine.
Molecular consequence: missense variant.
Genome position (GRCh38, 1-based): chr11:118,474,098, C>T. VCF-style: chr11-118474098-C-T. GRCh37 (hg19) VCF-style: chr11-118344813-C-T.
Other names: c.2939C>T, p.Ala980Val (NM_005933.4); short protein forms A980V.
Identifiers: ClinVar variation 1500605 (VCV001500605.6), dbSNP rs2134272584, ClinGen allele CA382818963.

ClinVar aggregate classification (germline): Uncertain significance (1 of 4 stars; one submission).

Submission:

Labcorp Genetics (formerly Invitae), Labcorp
Classification: Uncertain significance. Last evaluated: 2023-08-04. Review status: criteria provided, single submitter. Criteria: Invitae Variant Classification Sherloc (09022015). Collection method: clinical testing. Allele origin: germline.
Comment: This sequence change replaces alanine, which is neutral and non-polar, with valine, which is neutral and non-polar, at codon 980 of the KMT2A protein (p.Ala980Val). This variant is not present in population databases (gnomAD no frequency). This variant has not been reported in the literature in individuals affected with KMT2A-related conditions. ClinVar contains an entry for this variant (Variation ID: 1500605). Advanced modeling of protein sequence and biophysical properties (such as structural, functional, and spatial information, amino acid conservation, physicochemical variation, residue mobility, and thermodynamic stability) performed at Invitae indicates that this missense variant is not expected to disrupt KMT2A protein function. In summary, the available evidence is currently insufficient to determine the role of this variant in disease. Therefore, it has been classified as a Variant of Uncertain Significance.